The following is an entry in ClinVar:

NM_000169.3(GLA):c.364A>G (p.Asn122Asp)

Genes: GLA (galactosidase alpha; minus strand), RPL36A-HNRNPH2 (RPL36A-HNRNPH2 readthrough; plus strand). Cytogenetic location: Xq22.1.
Variant type: single nucleotide variant.
Coding change: c.364A>G on transcript NM_000169.3 (MANE Select); coding-DNA position 364, A replaced by G.
Protein change: p.Asn122Asp; replaces asparagine 122 with aspartic acid.
Molecular consequence: missense variant. On other transcripts: non-coding transcript variant (3), intron variant (2).
Genome position (GRCh38, 1-based): chrX:101,403,816, T>C on the plus strand (A>G on the coding strand, the complement: GLA is on the minus strand). VCF-style: chrX-101403816-T-C. GRCh37 (hg19) VCF-style: chrX-100658804-T-C.
Other names: c.487A>G, p.Asn163Asp (NM_001406747.1, NM_001406749.1); c.364A>G, p.Asn122Asp (NM_001406748.1); c.301-8120T>C (NM_001199973.2); c.178-8120T>C (NM_001199974.2); short protein forms N122D, N163D.
Identifiers: ClinVar variation 4756824 (VCV004756824.1), dbSNP rs869312279.

ClinVar aggregate classification (germline): Uncertain significance (1 of 4 stars; one submission).

Conditions:
Fabry disease. Also called: Fabry's disease; ALPHA-GALACTOSIDASE A DEFICIENCY; ANDERSON-FABRY DISEASE; CERAMIDE TRIHEXOSIDASE DEFICIENCY; GLA DEFICIENCY; HEREDITARY DYSTOPIC LIPIDOSIS. Identifiers: Orphanet 324, MedGen C0002986, MONDO:0010526, OMIM 301500, HP:0001071. Disease mechanism: Fabry disease is due to inactivating mutations in the X-linked GLA gene resulting in deficiency of the enzyme Alpha Galactosidase-A., loss of function.

gnomAD v4.1: 1 of 1,208,919 alleles (0.000083%); highest among the groups gnomAD compares: Non-Finnish European, 0.00011%; no homozygotes.

Submission:

Color Diagnostics, LLC DBA Color Health
Classification: Uncertain significance for Fabry disease. Last evaluated: 2025-06-23. Review status: criteria provided, single submitter. Criteria: ACMG Guidelines, 2015. Collection method: clinical testing. Allele origin: germline.
Comment: This missense variant replaces asparagine with aspartic acid at codon 122 of the GLA protein. Computational prediction suggests that this variant may not impact protein structure and function. To our knowledge, functional studies have not been reported for this variant. This variant has not been reported in individuals affected with GLA-related disorders in the literature. This variant has not been identified in the general population by the Genome Aggregation Database (gnomAD). The available evidence is insufficient to determine the role of this variant in disease conclusively. Therefore, this variant is classified as a Variant of Uncertain Significance.